The following is an entry in ClinVar:

NM_000465.4(BARD1):c.2206T>G (p.Tyr736Asp)

Gene: BARD1 (BRCA1 associated RING domain 1; minus strand). Cytogenetic location: 2q35.
Variant type: single nucleotide variant.
Coding change: c.2206T>G on transcript NM_000465.4 (MANE Select); coding-DNA position 2206, T replaced by G.
Protein change: p.Tyr736Asp; replaces tyrosine 736 with aspartic acid.
Molecular consequence: missense variant. On other transcripts: non-coding transcript variant (3).
Genome position (GRCh38, 1-based): chr2:214,728,804, A>C on the plus strand (T>G on the coding strand, the complement: BARD1 is on the minus strand). VCF-style: chr2-214728804-A-C. GRCh37 (hg19) VCF-style: chr2-215593528-A-C.
Other names: c.2149T>G, p.Tyr717Asp (NM_001282543.2); c.853T>G, p.Tyr285Asp (NM_001282545.2); c.796T>G, p.Tyr266Asp (NM_001282548.2); c.667T>G, p.Tyr223Asp (NM_001282549.2); c.2206T>G (NM_000465.3); short protein forms Y223D, Y266D, Y717D, Y285D, Y736D.
Identifiers: ClinVar variation 1442123 (VCV001442123.10), dbSNP rs1559371905, ClinGen allele CA350450219.
Genomic context (GRCh38, chr2:214,728,804, plus strand): 5'-AGACTTTGCCCTGCCGAACCCTCTCTGGGTGATAATTACACAAATCTTCATAGATGATAT[A>C]CTGTGTGCAGAAGCGCTGATCAGAATCGGGTCTCGCATGGTATGCGACTGTATTGATGGT-3'
Protein context (NP_000456.2, residues 726-746): PDSDQRFCTQ[Tyr736Asp]IIYEDLCNYH

ClinVar aggregate classification (germline): Uncertain significance (1 of 4 stars; one submission).

Conditions:
Familial cancer of breast. Also called: hereditary breast carcinoma; Hereditary breast cancer; BREAST CANCER, FAMILIAL. Identifiers: Orphanet 227535, MedGen C0346153, MONDO:0016419, OMIM 114480. Disease mechanism: loss of function.

Submission:

Labcorp Genetics (formerly Invitae), Labcorp
Classification: Uncertain significance for Familial cancer of breast. Last evaluated: 2024-05-15. Review status: criteria provided, single submitter. Criteria: Invitae Variant Classification Sherloc (09022015). Collection method: clinical testing. Allele origin: germline.
Comment: This sequence change replaces tyrosine, which is neutral and polar, with aspartic acid, which is acidic and polar, at codon 736 of the BARD1 protein (p.Tyr736Asp). This variant is not present in population databases (gnomAD no frequency). This variant has not been reported in the literature in individuals affected with BARD1-related conditions. ClinVar contains an entry for this variant (Variation ID: 1442123). An algorithm developed to predict the effect of missense changes on protein structure and function (PolyPhen-2) suggests that this variant is likely to be disruptive. In summary, the available evidence is currently insufficient to determine the role of this variant in disease. Therefore, it has been classified as a Variant of Uncertain Significance.